The following is an entry in ClinVar:

NM_003001.5(SDHC):c.374T>G (p.Met125Arg)

Gene: SDHC (succinate dehydrogenase complex subunit C; plus strand). Cytogenetic location: 1q23.3.
Variant type: single nucleotide variant.
Coding change: c.374T>G on transcript NM_003001.5 (MANE Select); coding-DNA position 374, T replaced by G.
Protein change: p.Met125Arg; replaces methionine 125 with arginine.
Molecular consequence: missense variant. On other transcripts: non-coding transcript variant (1), intron variant (3).
Genome position (GRCh38, 1-based): chr1:161,356,809, T>G. VCF-style: chr1-161356809-T-G. GRCh37 (hg19) VCF-style: chr1-161326599-T-G.
Other names: c.272T>G, p.Met91Arg (NM_001035512.3); c.215T>G, p.Met72Arg (NM_001035513.3); c.494T>G, p.Met165Arg (NM_001407115.1); c.317T>G, p.Met106Arg (NM_001407116.1); c.311T>G, p.Met104Arg (NM_001407117.1); c.266T>G, p.Met89Arg (NM_001407118.1); c.263T>G, p.Met88Arg (NM_001407119.1, NM_001407120.1); c.242-5520T>G (NM_001035511.3); and 2 more; short protein forms M125R, M91R, M72R, M89R, M104R, M106R, M165R, M88R.
Identifiers: ClinVar variation 407057 (VCV000407057.29), dbSNP rs1060501387, ClinGen allele CA16609904.

ClinVar aggregate classification (germline): Conflicting classifications of pathogenicity. Review status: criteria provided, conflicting classifications (1 of 4 stars). 4 submissions from 4 submitters: Pathogenic (2); Likely pathogenic (1); Uncertain significance (1). Last evaluated 2026-01-28.

Conditions:
Pheochromocytoma/paraganglioma syndrome 3. Also called: GLOMUS TUMORS, FAMILIAL, 3; SDHC-Related Hereditary Paraganglioma-Pheochromocytoma Syndrome (Paragangliomas 3); Paragangliomas 3; SDHC-Related Hereditary Paraganglioma-Pheochromocytoma Syndrome. Identifiers: Orphanet 29072, MedGen C1854336, MONDO:0011544, OMIM 605373.
Gastrointestinal stromal tumor. Also called: Gastrointestinal stromal tumor, somatic; Gastrointestinal stroma tumor. Identifiers: Orphanet 44890, MedGen C0238198, MeSH D046152, MONDO:0011719, OMIM 606764, HP:0100723.
Hereditary cancer-predisposing syndrome. Also called: Neoplastic Syndromes, Hereditary; Hereditary Cancer Syndrome; Hereditary neoplastic syndrome; Tumor predisposition. Identifiers: Orphanet 140162, MedGen C0027672, MeSH D009386, MONDO:0015356.
Hereditary pheochromocytoma and paraganglioma. Also called: Hereditary Paraganglioma-Pheochromocytoma Syndromes; Hereditary pheochromocytoma-paraganglioma; Hereditary paragangliomas and pheochromocytomas. Identifiers: Orphanet 29072, MedGen C4274332, MONDO:0017366.

Allele frequency attached by ClinVar (database versions not stated): gnomAD 0.00001; TOPMed 0.00001.

Submissions (4):

Labcorp Genetics (formerly Invitae), Labcorp
Classification: Pathogenic for Pheochromocytoma/paraganglioma syndrome 3; Gastrointestinal stromal tumor. Last evaluated: 2026-01-28. Review status: criteria provided, single submitter. Criteria: Invitae Variant Classification Sherloc (09022015). Collection method: clinical testing. Allele origin: germline.
Comment: This sequence change replaces methionine, which is neutral and non-polar, with arginine, which is basic and polar, at codon 125 of the SDHC protein (p.Met125Arg). This variant is present in population databases (no rsID available, gnomAD 0.01%). This missense change has been observed in individuals with paraganglioma and pheochromocytoma (PMID: 23512077, 30877234; internal data). ClinVar contains an entry for this variant (Variation ID: 407057). An algorithm developed to predict the effect of missense changes on protein structure and function (PolyPhen-2) suggests that this variant is likely to be disruptive. RNA analysis performed to evaluate the impact of this missense change on mRNA splicing indicates it does not significantly alter splicing (internal data). For these reasons, this variant has been classified as Pathogenic.

Quest Diagnostics Nichols Institute San Juan Capistrano
Classification: Uncertain significance. Last evaluated: 2025-07-10. Review status: criteria provided, single submitter. Criteria: Quest Diagnostics criteria. Collection method: clinical testing. Allele origin: unknown.
Comment: The SDHC c.374T>G (p.Met125Arg) variant has been reported in individuals with paraganglioma (PMID: 30877234 (2019), 23512077 (2013)), including one affected individual whose germline and somatic genetic data support a likely deleterious role for the variant (PMID: 36091175 (2022)). The frequency of this variant in the general population (Genome Aggregation Database) is uninformative in the assessment of its pathogenicity. Analysis of this variant using bioinformatics tools for the prediction of the effect of amino acid changes on protein structure and function yielded conflicting predictions that this variant is benign or damaging. Based on the available information, we are unable to determine the clinical significance of this variant.

Ambry Genetics
Classification: Pathogenic for Hereditary cancer-predisposing syndrome. Last evaluated: 2024-10-17. Review status: criteria provided, single submitter. Criteria: Ambry Variant Classification Scheme 2023. Collection method: clinical testing. Allele origin: germline.
Comment: The c.374T>G (p.M125R) alteration is located in exon 5 (coding exon 5) of the SDHC gene. This alteration results from a T to G substitution at nucleotide position 374, causing the methionine (M) at amino acid position 125 to be replaced by an arginine (R). Based on data from gnomAD, the G allele has an overall frequency of 0.003% (1/31390) total alleles studied. The highest observed frequency was 0.012% (1/8708) of African alleles. This variant has been detected in multiple individuals with paraganglioma(s) (Fishbein, 2013; Ben Aim, 2019; Ambry internal data; external communication). This amino acid position is well conserved in available vertebrate species. This amino acid alteration is predicted to be deleterious by in silico analysis. In silico splice site analysis predicts that this nucleotide alteration will result in the creation or strengthening of a novel splice acceptor site; however RNA studies have demonstrated that this alteration does not result in abnormal splicing in the set of samples tested (Ambry internal data). Based on the available evidence, this alteration is classified as pathogenic.

All of Us Research Program, National Institutes of Health
Classification: Likely pathogenic for Hereditary pheochromocytoma and paraganglioma. Last evaluated: 2023-08-08. Review status: criteria provided, single submitter. Criteria: ACMG Guidelines, 2015. Collection method: clinical testing. Allele origin: germline. Inheritance: Autosomal dominant inheritance. Observed: 1 variant allele, 1 heterozygote.
Comment: This missense variant replaces methionine with arginine at codon 125 of the SDHC protein. Computational prediction suggests that this variant may have deleterious impact on protein structure and function (internally defined REVEL score threshold >= 0.7, PMID: 27666373). Splice site prediction tools suggest that this variant may impact RNA splicing, however RNA studies have not been reported for this variant. This variant has been reported in multiple individuals affected with paraganglioma and pheochromocytoma (PMID: 23512077, 36091175, 30877234). This variant has been identified in 1/31390 chromosomes in the general population by the Genome Aggregation Database (gnomAD). Based on the available evidence, this variant is classified as Likely Pathogenic.

This study involves interpretation of variants in research participants for the purpose of population health screening. Participant phenotype was not available at the time of variant classification. Additional details can be found in publication PMID: 35346344, PMCID: PMC8962531

Literature cited by the submitters: PubMed 23512077 (cited by 4 submitters); PubMed 30877234 (cited by 4 submitters); PubMed 36091175 (cited by Quest Diagnostics Nichols Institute San Juan Capistrano and All of Us Research Program, National Institutes of Health).